The following is an entry in ClinVar:

ClinVar aggregate classification (germline): Uncertain significance (1 of 4 stars; one submission).

gnomAD v4.1: 2 of 1,613,888 alleles (0.00012%); highest among the groups gnomAD compares: South Asian, 0.0011%; no homozygotes.

Submission:

Labcorp Genetics (formerly Invitae), Labcorp
Classification: Uncertain significance. Last evaluated: 2025-08-07. Review status: criteria provided, single submitter. Criteria: Invitae Variant Classification Sherloc (09022015). Collection method: clinical testing. Allele origin: germline.
Comment: This sequence change replaces lysine, which is basic and polar, with threonine, which is neutral and polar, at codon 34 of the CETP protein (p.Lys34Thr). This variant is not present in population databases (gnomAD no frequency). This variant has not been reported in the literature in individuals affected with CETP-related conditions. Invitae Evidence Modeling of protein sequence and biophysical properties (such as structural, functional, and spatial information, amino acid conservation, physicochemical variation, residue mobility, and thermodynamic stability) indicates that this missense variant is expected to disrupt CETP protein function with a positive predictive value of 80%. In summary, the available evidence is currently insufficient to determine the role of this variant in disease. Therefore, it has been classified as a Variant of Uncertain Significance.

NM_000078.3(CETP):c.101A>C (p.Lys34Thr)

Gene: CETP (cholesteryl ester transfer protein; plus strand). Cytogenetic location: 16q13.
Variant type: single nucleotide variant.
Coding change: c.101A>C on transcript NM_000078.3 (MANE Select); coding-DNA position 101, A replaced by C.
Protein change: p.Lys34Thr; replaces lysine 34 with threonine.
Molecular consequence: missense variant.
Genome position (GRCh38, 1-based): chr16:56,962,080, A>C. VCF-style: chr16-56962080-A-C. GRCh37 (hg19) VCF-style: chr16-56995992-A-C.
Other names: c.101A>C, p.Lys34Thr (NM_001286085.2); short protein forms K34T.
Identifiers: ClinVar variation 4774967 (VCV004774967.1).
Genomic context (GRCh38, chr16:56,962,080, plus strand): 5'-ATGCCCATGCCTGCTCCAAAGGCACCTCGCACGAGGCAGGCATCGTGTGCCGCATCACCA[A>C]GCCTGCCCTCCTGGTGTGTAAGTATCAGTGCATCTGTCTGCCCTGCCAGGGGTCTTTTCA-3'
Protein context (NP_000069.2, residues 24-44): HEAGIVCRIT[Lys34Thr]PALLVLNHET